The following is an entry in ClinVar:

ClinVar aggregate classification (germline): Pathogenic (1 of 4 stars; one submission).

Conditions:
Early-infantile DEE. Also called: Ohtahara syndrome; Early infantile epileptic encephalopathy with suppression bursts; Early infantile epileptic encephalopathy. Identifiers: Orphanet 1934, MedGen C0393706, MONDO:0800491.

Submission:

Labcorp Genetics (formerly Invitae), Labcorp
Classification: Pathogenic for Early-infantile DEE. Last evaluated: 2023-03-25. Review status: criteria provided, single submitter. Criteria: Invitae Variant Classification Sherloc (09022015). Collection method: clinical testing. Allele origin: germline.
Comment: For these reasons, this variant has been classified as Pathogenic. This variant has not been reported in the literature in individuals affected with CACNA2D2-related conditions. This variant is not present in population databases (gnomAD no frequency). This sequence change creates a premature translational stop signal (p.Phe891Argfs*21) in the CACNA2D2 gene. It is expected to result in an absent or disrupted protein product. Loss-of-function variants in CACNA2D2 are known to be pathogenic (PMID: 24358150).

Literature cited by the submitters: PubMed 24358150.

NM_006030.4(CACNA2D2):c.2666_2669dup (p.Phe891fs)

Genes: CACNA2D2 (calcium voltage-gated channel auxiliary subunit alpha2delta 2; minus strand), LOC101928965 (uncharacterized LOC101928965; plus strand), LOC127898564 (CYB561D2-LOC101928965; plus strand). Cytogenetic location: 3p21.31.
Variant type: Duplication.
Coding change: c.2666_2669dup on transcript NM_006030.4 (MANE Select); coding-DNA positions 2666 to 2669, 4 bases duplicated (GAGG; older notation c.2666_2669dupGAGG).
Protein change: p.Phe891fs; shifts the reading frame from phenylalanine 891.
Molecular consequence: frameshift variant. On other transcripts: non-coding transcript variant (10).
Genome position (GRCh38, 1-based): chr3:50,366,307-50,366,310, CCTC duplicated on the plus strand (GAGG on the coding strand, the reverse complement: CACNA2D2 is on the minus strand); duplicating any 4 consecutive bases within chr3:50,366,307-50,366,311 gives the same sequence; the c. name uses the placement nearest the transcript's 3' end. VCF-style (leftmost placement, unchanged base first): chr3-50366306-T-TCCTC. GRCh37 (hg19) VCF-style: chr3-50403737-T-TCCTC.
Other names: c.2666_2669dup, p.Phe891fs (NM_001005505.3); c.2687_2690dup, p.Phe898fs (NM_001174051.3); c.2459_2462dup, p.Phe822fs (NM_001291101.1); c.2669_2672dup, p.Phe892fs (NM_001410768.1); short protein forms F898fs, F891fs, F892fs, F822fs.
Identifiers: ClinVar variation 2849340 (VCV002849340.3), dbSNP rs2470981449, ClinGen allele CA2739278010.